The following is an entry in ClinVar:

NM_212482.4(FN1):c.121T>G (p.Ser41Ala)

Gene: FN1 (fibronectin 1; minus strand). Cytogenetic location: 2q35.
Variant type: single nucleotide variant.
Coding change: c.121T>G on transcript NM_212482.4 (MANE Select); coding-DNA position 121, T replaced by G.
Protein change: p.Ser41Ala; replaces serine 41 with alanine.
Molecular consequence: missense variant.
Genome position (GRCh38, 1-based): chr2:215,435,682, A>C on the plus strand (T>G on the coding strand, the complement: FN1 is on the minus strand). VCF-style: chr2-215435682-A-C. GRCh37 (hg19) VCF-style: chr2-216300405-A-C.
Other names: c.121T>G, p.Ser41Ala (NM_001306129.2, NM_001306130.2, NM_001306131.2 and 14 more transcripts); short protein forms S41A.
Identifiers: ClinVar variation 728853 (VCV000728853.14), dbSNP rs112946345, ClinGen allele CA2095683.

ClinVar aggregate classification (germline): Benign/Likely benign. Review status: criteria provided, multiple submitters, no conflicts (2 of 4 stars). 3 submissions from 3 submitters: Benign (1); Likely benign (2). Last evaluated 2026-01-22.

Allele frequency attached by ClinVar (database versions not stated): gnomAD exomes 0.00053 and 0.00124; ExAC 0.00162; gnomAD 0.00535 and 0.00576; TOPMed 0.00582; ESP Exome Variant Server 0.00630; 1000 Genomes Project 0.00659; 1000 Genomes Project 30x 0.00781.
gnomAD v4.1: 1,605 of 1,613,466 alleles (0.099%); highest among the groups gnomAD compares: African/African-American, 1.9%; 18 homozygotes.

Submissions (3):

Labcorp Genetics (formerly Invitae), Labcorp
Classification: Benign. Last evaluated: 2026-01-22. Review status: criteria provided, single submitter. Criteria: Invitae Variant Classification Sherloc (09022015). Collection method: clinical testing. Allele origin: germline.

GeneDx
Classification: Likely benign. Last evaluated: 2023-07-10. Review status: criteria provided, single submitter. Criteria: GeneDx Variant Classification Process June 2021. Collection method: clinical testing. Allele origin: germline. Affected: yes.
Comment: See Variant Classification Assertion Criteria.

Breakthrough Genomics
Classification: Likely benign. Review status: criteria provided, single submitter. Criteria: ACMG Guidelines, 2015. Collection method: not provided. Allele origin: germline. Inheritance: Autosomal dominant inheritance. Affected: yes.